The following is an entry in ClinVar:

NM_012464.5(TLL1):c.544A>G (p.Met182Val)

Gene: TLL1 (tolloid like 1; plus strand). Cytogenetic location: 4q32.3.
Variant type: single nucleotide variant.
Coding change: c.544A>G on transcript NM_012464.5 (MANE Select); coding-DNA position 544, A replaced by G.
Protein change: p.Met182Val; replaces methionine 182 with valine.
Molecular consequence: missense variant.
Genome position (GRCh38, 1-based): chr4:165,995,090, A>G. VCF-style: chr4-165995090-A-G. GRCh37 (hg19) VCF-style: chr4-166916242-A-G.
Other names: c.544A>G, p.Met182Val (NM_001204760.2); short protein forms M182V.
Identifiers: ClinVar variation 373416 (VCV000373416.3), dbSNP rs137852951, ClinGen allele CA16042494.

ClinVar aggregate classification (germline): Uncertain significance. Review status: criteria provided, multiple submitters, no conflicts (2 of 4 stars). 2 submissions from 2 submitters: Uncertain significance (2). Last evaluated 2022-11-10.

Allele frequency attached by ClinVar (database versions not stated): gnomAD exomes 0.00001 and 0.00002; TOPMed 0.00001; gnomAD 0.00002.

Submissions (2):

Ambry Genetics
Classification: Uncertain significance. Last evaluated: 2022-11-10. Review status: criteria provided, single submitter. Criteria: Ambry Variant Classification Scheme 2023. Collection method: clinical testing. Allele origin: germline.

GeneDx
Classification: Uncertain significance. Last evaluated: 2016-12-09. Review status: criteria provided, single submitter. Criteria: GeneDx Variant Classification (06012015). Collection method: clinical testing. Allele origin: germline. Affected: yes.
Comment: The M182V variant in the TLL1 gene has not been reported previously as a pathogenic variant, nor as a benign variant, to our knowledge. The M182V variant was not observed at any significant frequency in approximately 6,500 individuals of European and African American ancestry in the NHLBI Exome Sequencing Project, indicating it is not a common benign variant in these populations. The M182V variant is a conservative amino acid substitution, which is not likely to impact secondary protein structure as these residues share similar properties. This substitution occurs at a position that is conserved across species. In silico analysis predicts this variant is probably damaging to the protein structure/function. We interpret M182V as a variant of uncertain significance.